The following is an entry in ClinVar:

ClinVar aggregate classification (germline): Uncertain significance (1 of 4 stars; one submission).

gnomAD v4.1: 12 of 1,613,444 alleles (0.00074%); highest among the groups gnomAD compares: East Asian, 0.0022%; no homozygotes.

Submission:

Laboratory for Molecular Medicine, Mass General Brigham Personalized Medicine
Classification: Uncertain significance. Last evaluated: 2013-04-26. Review status: criteria provided, single submitter. Criteria: LMM Criteria. Collection method: clinical testing. Allele origin: germline. Observed: 1 variant allele.
Comment: The Ala16857Gly variant in TTN has not been reported in individuals with cardiom yopathy or in large population studies. The affected amino acid is not well cons erved in evolution, suggesting that this change may be tolerated. Other computa tional analyses (biochemical amino acid properties, AlignGVGD, PolyPhen2, and SI FT) do not provide strong support for or against an impact to the protein. At th is time, additional information is needed to fully assess the clinical significa nce of this variant.

NM_001267550.2(TTN):c.58274C>G (p.Ala19425Gly)

Genes: TTN (titin; minus strand), TTN-AS1 (TTN antisense RNA 1; plus strand). Cytogenetic location: 2q31.2.
Variant type: single nucleotide variant.
Coding change: c.58274C>G on transcript NM_001267550.2 (MANE Select); coding-DNA position 58274, C replaced by G.
Protein change: p.Ala19425Gly; replaces alanine 19425 with glycine.
Molecular consequence: missense variant.
Genome position (GRCh38, 1-based): chr2:178,594,119, G>C on the plus strand (C>G on the coding strand, the complement: TTN is on the minus strand). VCF-style: chr2-178594119-G-C. GRCh37 (hg19) VCF-style: chr2-179458846-G-C.
Other names: c.50570C>G, p.Ala16857Gly (NM_133378.4); c.53351C>G, p.Ala17784Gly (NM_001256850.1); c.31079C>G, p.Ala10360Gly (NM_003319.4); c.31454C>G, p.Ala10485Gly (NM_133432.3); c.31655C>G, p.Ala10552Gly (NM_133437.4); short protein forms A16857G, A19425G, A10552G, A17784G, A10485G, A10360G.
Identifiers: ClinVar variation 178901 (VCV000178901.5), dbSNP rs727504525, ClinGen allele CA183263.